The following is an entry in ClinVar:

ClinVar aggregate classification (germline): Uncertain significance (1 of 4 stars; one submission).

Conditions:
Epidermolysis bullosa simplex with nail dystrophy (EBS5D). Identifiers: MedGen C4225309, MONDO:0014661, OMIM 616487.
Epidermolysis bullosa simplex, Ogna type (EBS5A). Also called: Pidermolysis bullosa simplex 5A, Ogna type; EPIDERMOLYSIS BULLOSA SIMPLEX 5A, OGNA TYPE. Identifiers: Orphanet 79401, MedGen C0432317, MONDO:0007555, OMIM 131950.
Autosomal recessive limb-girdle muscular dystrophy type 2Q (LGMDR17). Also called: MUSCULAR DYSTROPHY, LIMB-GIRDLE, AUTOSOMAL RECESSIVE 17. Identifiers: Orphanet 254361, MedGen C3150989, MONDO:0013390, OMIM 613723.
Epidermolysis bullosa simplex 5B, with muscular dystrophy (EBS5B). Also called: EPIDERMOLYSIS BULLOSA SIMPLEX AND LIMB-GIRDLE MUSCULAR DYSTROPHY; Epidermolysis bullosa simplex with muscular dystrophy. Identifiers: Orphanet 257, MedGen C2931072, MONDO:0009181, OMIM 226670.
Epidermolysis bullosa simplex 5C, with pyloric atresia (EBS5C). Also called: PLEC-Related Epidermolysis Bullosa with Pyloric Atresia; Epidermolysis bullosa simplex with pyloric atresia; PLEC1-Related Epidermolysis Bullosa with Pyloric Atresia. Identifiers: Orphanet 158684, MedGen C2677349, MONDO:0012807, OMIM 612138.

Submission:

Labcorp Genetics (formerly Invitae), Labcorp
Classification: Uncertain significance for Autosomal recessive limb-girdle muscular dystrophy type 2Q; Epidermolysis bullosa simplex, Ogna type; Epidermolysis bullosa simplex with nail dystrophy; Epidermolysis bullosa simplex 5C, with pyloric atresia; Epidermolysis bullosa simplex 5B, with muscular dystrophy. Last evaluated: 2025-03-04. Review status: criteria provided, single submitter. Criteria: Invitae Variant Classification Sherloc (09022015). Collection method: clinical testing. Allele origin: germline.
Comment: This sequence change replaces methionine, which is neutral and non-polar, with isoleucine, which is neutral and non-polar, at codon 4020 of the PLEC protein (p.Met4020Ile). This variant is not present in population databases (gnomAD no frequency). This variant has not been reported in the literature in individuals affected with PLEC-related conditions. ClinVar contains an entry for this variant (Variation ID: 2938896). Invitae Evidence Modeling of protein sequence and biophysical properties (such as structural, functional, and spatial information, amino acid conservation, physicochemical variation, residue mobility, and thermodynamic stability) indicates that this missense variant is not expected to disrupt PLEC protein function with a negative predictive value of 80%. In summary, the available evidence is currently insufficient to determine the role of this variant in disease. Therefore, it has been classified as a Variant of Uncertain Significance.

NM_201384.3(PLEC):c.11979G>A (p.Met3993Ile)

Gene: PLEC (plectin; minus strand). Cytogenetic location: 8q24.3.
Variant type: single nucleotide variant.
Coding change: c.11979G>A on transcript NM_201384.3 (MANE Select); coding-DNA position 11979, G replaced by A.
Protein change: p.Met3993Ile; replaces methionine 3993 with isoleucine.
Molecular consequence: missense variant.
Genome position (GRCh38, 1-based): chr8:143,917,842, C>T on the plus strand (G>A on the coding strand, the complement: PLEC is on the minus strand). VCF-style: chr8-143917842-C-T. GRCh37 (hg19) VCF-style: chr8-144992010-C-T.
Other names: c.12060G>A, p.Met4020Ile (NM_000445.5); c.8679G>A, p.Met2893Ile (NM_001410941.1); c.11937G>A, p.Met3979Ile (NM_201378.4); c.11913G>A, p.Met3971Ile (NM_201379.3); c.12390G>A, p.Met4130Ile (NM_201380.4); c.11883G>A, p.Met3961Ile (NM_201381.3); c.11979G>A, p.Met3993Ile (NM_201382.4); c.11991G>A, p.Met3997Ile (NM_201383.3); short protein forms M3997I, M3971I, M4020I, M2893I, M3961I, M4130I, M3979I, M3993I.
Identifiers: ClinVar variation 2938896 (VCV002938896.3), dbSNP rs2539259963, ClinGen allele CA372486953.